The following is an entry in ClinVar:

NM_001365276.2(TNXB):c.3625G>T (p.Glu1209Ter)

Gene: TNXB (tenascin XB; minus strand). Cytogenetic location: 6p21.33.
Variant type: single nucleotide variant.
Coding change: c.3625G>T on transcript NM_001365276.2 (MANE Select); coding-DNA position 3625, G replaced by T.
Protein change: p.Glu1209Ter; replaces glutamic acid 1209 with a stop codon.
Molecular consequence: nonsense.
Genome position (GRCh38, 1-based): chr6:32,082,147, C>A on the plus strand (G>T on the coding strand, the complement: TNXB is on the minus strand). VCF-style: chr6-32082147-C-A. GRCh37 (hg19) VCF-style: chr6-32049924-C-A.
Other names: c.4366G>T, p.Glu1456Ter (NM_001428335.1); c.3625G>T, p.Glu1209Ter (NM_019105.8); short protein forms E1209*, E1456*.
Identifiers: ClinVar variation 5013230 (VCV005013230.1).
Genomic context (GRCh38, chr6:32,082,147, plus strand): 5'-CAAACAGAGTGAATCTGTACTTGTGGTCAGGGTCCAGTGAGGAGACAACAAATGAACGCT[C>A]GGGCCCTTCCACAGGTACCACCTGGGGCCGTCCATCCCTGTCCCTGTACTGGACCATGAA-3'

ClinVar aggregate classification (germline): Pathogenic (1 of 4 stars; one submission).

Conditions:
Ehlers-Danlos syndrome due to tenascin-X deficiency (EDSCLL1). Also called: Ehlers-Danlos syndrome, classic-like, 1; EHLERS-DANLOS SYNDROME, CLASSIC-LIKE; TNXB-Related Classical-Like Ehlers-Danlos Syndrome; EDS DUE TO TNX DEFICIENCY; TNX DEFICIENCY. Identifiers: Orphanet 230839, MedGen C1848029, MONDO:0011670, OMIM 606408.

Submission:

Myriad Genetics, Inc.
Classification: Pathogenic for Ehlers-Danlos syndrome due to tenascin-X deficiency. Last evaluated: 2024-06-23. Review status: criteria provided, single submitter. Criteria: Myriad Autosomal Dominant, Autosomal Recessive and X-Linked Classification Criteria (2023). Collection method: clinical testing. Allele origin: unknown.
Comment: NM_019105.6(TNXB):c.3625G>T(E1209*) is expected to be pathogenic in the context of classical-like Ehlers-Danlos syndrome, TNXB-related. This variant is predicted to lead to an abnormal or absent protein product due to the creation of a premature termination codon in TNXB, a gene where loss-of-function variants are known to be pathogenic. Please note: this variant was assessed in the context of healthy population screening.